The following is an entry in ClinVar:

NM_018418.5(SPATA7):c.19G>T (p.Val7Phe)

Genes: SPATA7 (spermatogenesis associated 7; plus strand), LOC130056226 (ATAC-STARR-seq lymphoblastoid active region 8840; plus strand). Cytogenetic location: 14q31.3.
Variant type: single nucleotide variant.
Coding change: c.19G>T on transcript NM_018418.5 (MANE Select); coding-DNA position 19, G replaced by T.
Protein change: p.Val7Phe; replaces valine 7 with phenylalanine.
Molecular consequence: missense variant.
Genome position (GRCh38, 1-based): chr14:88,385,837, G>T. VCF-style: chr14-88385837-G-T. GRCh37 (hg19) VCF-style: chr14-88852181-G-T.
Other names: c.19G>T, p.Val7Phe (NM_001040428.4); short protein forms V7F.
Identifiers: ClinVar variation 560510 (VCV000560510.11), dbSNP rs371609982, ClinGen allele CA264502589.

ClinVar aggregate classification (germline): Conflicting classifications of pathogenicity. Review status: criteria provided, conflicting classifications (1 of 4 stars). 3 submissions from 3 submitters: Likely pathogenic (1); Uncertain significance (1). 1 of the submissions does not count toward it. Last evaluated 2024-05-30.

Conditions:
SPATA7-related disorder. Also called: SPATA7-related disorders; SPATA7-related condition. Identifiers: MedGen CN239422.
Leber congenital amaurosis 3 (LCA3). Also called: SPATA7-Related Retinitis Pigmentosa. Identifiers: MedGen C1858677, MONDO:0011415, OMIM 604232.

Allele frequency attached by ClinVar (database versions not stated): gnomAD 0.00001; gnomAD exomes 0.00001; TOPMed 0.00001; ESP Exome Variant Server 0.00015.
gnomAD v4.1: 21 of 1,603,484 alleles (0.0013%); highest among the groups gnomAD compares: Non-Finnish European, 0.0018%; no homozygotes.

Submissions (3):

Blueprint Genetics
Classification: Likely pathogenic for SPATA7-related disorders. Last evaluated: 2024-05-30. Review status: criteria provided, single submitter. Criteria: ACMG Guidelines, 2015. Collection method: clinical testing. Allele origin: germline. Affected: yes. Observed: 2 variant alleles.

Labcorp Genetics (formerly Invitae), Labcorp
Classification: Uncertain significance for Leber congenital amaurosis 3. Last evaluated: 2022-05-18. Review status: criteria provided, single submitter. Criteria: Invitae Variant Classification Sherloc (09022015). Collection method: clinical testing. Allele origin: germline.
Comment: In summary, the available evidence is currently insufficient to determine the role of this variant in disease. Therefore, it has been classified as a Variant of Uncertain Significance. This variant disrupts the c.19G nucleotide in the SPATA7 gene. Other variant(s) that disrupt this nucleotide have been determined to be pathogenic (PMID: 28714225). This suggests that this nucleotide is clinically significant, and that variants that disrupt this position are likely to be disease-causing. Variants that disrupt the consensus splice site are a relatively common cause of aberrant splicing (PMID: 17576681, 9536098). Algorithms developed to predict the effect of sequence changes on RNA splicing suggest that this variant may disrupt the consensus splice site. Algorithms developed to predict the effect of missense changes on protein structure and function are either unavailable or do not agree on the potential impact of this missense change (SIFT: "Deleterious"; PolyPhen-2: "Probably Damaging"; Align-GVGD: "Class C0"). ClinVar contains an entry for this variant (Variation ID: 560510). This variant has not been reported in the literature in individuals affected with SPATA7-related conditions. The frequency data for this variant in the population databases is considered unreliable, as metrics indicate poor data quality at this position in the gnomAD database. This sequence change replaces valine, which is neutral and non-polar, with phenylalanine, which is neutral and non-polar, at codon 7 of the SPATA7 protein (p.Val7Phe). This variant also falls at the last nucleotide of exon 1, which is part of the consensus splice site for this exon.

Joint Genome Diagnostic Labs from Nijmegen and Maastricht, Radboudumc and MUMC+
Classification: Uncertain significance for Leber congenital amaurosis 3. Last evaluated: 2016-09-01. Review status: no assertion criteria provided. Collection method: clinical testing. Allele origin: unknown. Affected: yes. Observed: 1 variant allele. Not counted in ClinVar's aggregate classification.

Literature cited by the submitters: PubMed 28714225 (cited by Labcorp Genetics (formerly Invitae), Labcorp); PubMed 17576681 (cited by Labcorp Genetics (formerly Invitae), Labcorp); PubMed 9536098 (cited by Labcorp Genetics (formerly Invitae), Labcorp).